The following is an entry in ClinVar:

ClinVar aggregate classification (germline): Benign/Likely benign. Review status: criteria provided, multiple submitters, no conflicts (2 of 4 stars). 3 submissions from 3 submitters: Benign (1); Likely benign (2). Last evaluated 2025-06-24.

Allele frequency attached by ClinVar (database versions not stated): gnomAD 0.00006 and 0.00021; TOPMed 0.00006; 1000 Genomes Project 0.00040; 1000 Genomes Project 30x 0.00047; ExAC 0.00068.
gnomAD v4.1: 437 of 1,614,108 alleles (0.027%); highest among the groups gnomAD compares: South Asian, 0.43%; 1 homozygote.

Submissions (3):

Labcorp Genetics (formerly Invitae), Labcorp
Classification: Benign. Last evaluated: 2025-06-24. Review status: criteria provided, single submitter. Criteria: Invitae Variant Classification Sherloc (09022015). Collection method: clinical testing. Allele origin: germline.

CeGaT Center for Human Genetics Tuebingen
Classification: Likely benign. Last evaluated: 2024-08-01. Review status: criteria provided, single submitter. Criteria: CeGaT Center For Human Genetics Tuebingen Variant Classification Criteria Version 2. Collection method: clinical testing. Allele origin: germline. Affected: yes. Observed: 2 variant alleles.
Comment: LAMA1: BP4, BP7

Blueprint Genetics
Classification: Likely benign. Last evaluated: 2024-01-09. Review status: criteria provided, single submitter. Criteria: ACMG Guidelines, 2015. Collection method: clinical testing. Allele origin: germline.

NM_005559.4(LAMA1):c.5832C>T (p.Ala1944=)

Gene: LAMA1 (laminin subunit alpha 1; minus strand). Cytogenetic location: 18p11.31.
Variant type: single nucleotide variant.
Coding change: c.5832C>T on transcript NM_005559.4 (MANE Select); coding-DNA position 5832, C replaced by T.
Protein change: p.Ala1944=; no amino-acid change (alanine 1944 retained).
Molecular consequence: synonymous variant.
Genome position (GRCh38, 1-based): chr18:6,982,555, G>A on the plus strand (C>T on the coding strand, the complement: LAMA1 is on the minus strand). VCF-style: chr18-6982555-G-A. GRCh37 (hg19) VCF-style: chr18-6982554-G-A.
Identifiers: ClinVar variation 1600311 (VCV001600311.30), dbSNP rs530014646, ClinGen allele CA8881456.
Genomic context (GRCh38, chr18:6,982,555, plus strand): 5'-ACCTGGAAGCTTCCTGCTGAGGTTGTTGCCTTCTTTTAGAAATCTGGAGCTGCGCTGCAC[G>A]GCCGCTTTCCCGTTAGAAACAAGGGATTCTGAGAGCTGGAAAACAGAACCACTTAAGCGT-3'
Protein context (NP_005550.2, residues 1934-1954): SESLVSNGKA[Ala1944=]VQRSSRFLKE